The following is an entry in ClinVar:

NC_000017.11:c.(1210+1_1211-1)_(1878+1_1879-1)del

Gene: ITGA2B (integrin subunit alpha 2b; minus strand).
Variant type: Deletion.
Other names: NM_000419.4:c.(1210+1_1211-1)_(1878+1_1879-1)del.
Identifiers: ClinVar variation 4857366 (VCV004857366.1).

ClinVar aggregate classification (germline): Likely pathogenic (3 of 4 stars; one submission).

Conditions:
Glanzmann thrombasthenia. Also called: PLATELET GLYCOPROTEIN IIb-IIIa DEFICIENCY; Thrombasthenia; Glanzmann's thrombasthenia; THROMBASTHENIA OF GLANZMANN AND NAEGELI. Identifiers: Orphanet 849, MedGen C0040015, MONDO:0100326.

Submission:

ClinGen Platelet Disorders Variant Curation Expert Panel, ClinGen
Classification: Likely pathogenic for Glanzmann thrombasthenia. Last evaluated: 2026-06-04. Review status: reviewed by expert panel. Criteria: ClinGen Platelet ACMG Specifications v2-1. Collection method: curation. Allele origin: germline. Inheritance: Autosomal recessive inheritance.
Comment: The c.(1210+1_1211-1)_(1878+1_1879-1)del variant in ITGA2B is a deletion of exons 13-18, predicted to cause a frameshift with a premature stop codon in exon 19 of 30 causing NMD (PVS1). This variant has been reported in ClinVar in one individual with Glanzmann Thrombasthenia with no additional details provided (SCV002515676.1). This variant is absent from gnomAD SVs v4.1.1 and the Database of Genomic Variants (PM2_Supporting). In summary, this variant meets the criteria to be classified as Likely Pathogenic for autosomal recessive Glanzmann Thrombasthenia based on the ACMG/AMP criteria applied, as specified by the ClinGen PD VCEP: PVS1, PM2_Supporting. (VCEP specifications version 2).